The following is an entry in ClinVar:

NM_006208.3(ENPP1):c.1737G>C (p.Leu579Phe)

Gene: ENPP1 (ectonucleotide pyrophosphatase/phosphodiesterase 1; plus strand). Cytogenetic location: 6q23.2.
Variant type: single nucleotide variant.
Coding change: c.1737G>C on transcript NM_006208.3 (MANE Select); coding-DNA position 1737, G replaced by C.
Protein change: p.Leu579Phe; replaces leucine 579 with phenylalanine.
Molecular consequence: missense variant.
Genome position (GRCh38, 1-based): chr6:131,877,005, G>C. VCF-style: chr6-131877005-G-C. GRCh37 (hg19) VCF-style: chr6-132198145-G-C.
Other names: short protein forms L579F.
Identifiers: ClinVar variation 13588 (VCV000013588.2), dbSNP rs121918024, ClinGen allele CA256905.

ClinVar aggregate classification (germline): Likely pathogenic. Review status: criteria provided, single submitter (1 of 4 stars). 2 submissions from 2 submitters: Likely pathogenic (1). 1 of the submissions does not count toward it. Last evaluated 2025-05-06.

Conditions:
Arterial calcification, generalized, of infancy, 1 (GACI1). Also called: Idiopathic Infantile Arterial Calcification. Identifiers: Orphanet 51608, MedGen C4551985, MONDO:0008817, OMIM 208000.

Allele frequency attached by ClinVar (database versions not stated): ExAC 0.00001; gnomAD 0.00001; gnomAD exomes 0.00001; TOPMed 0.00001.
gnomAD v4.1: 11 of 1,613,894 alleles (0.00068%); highest among the groups gnomAD compares: Non-Finnish European, 0.00093%; no homozygotes.

Submissions (2):

Labcorp Genetics (formerly Invitae), Labcorp
Classification: Likely pathogenic. Last evaluated: 2025-05-06. Review status: criteria provided, single submitter. Criteria: Invitae Variant Classification Sherloc (09022015). Collection method: clinical testing. Allele origin: germline.
Comment: This sequence change replaces leucine, which is neutral and non-polar, with phenylalanine, which is neutral and non-polar, at codon 579 of the ENPP1 protein (p.Leu579Phe). This variant is present in population databases (rs121918024, gnomAD 0.002%). This missense change has been observed in individual(s) with autosomal recessive generalized arterial calcification of infancy (PMID: 12881724, 33005041). In at least one individual the data is consistent with being in trans (on the opposite chromosome) from a pathogenic variant. ClinVar contains an entry for this variant (Variation ID: 13588). Invitae Evidence Modeling of protein sequence and biophysical properties (such as structural, functional, and spatial information, amino acid conservation, physicochemical variation, residue mobility, and thermodynamic stability) indicates that this missense variant is expected to disrupt ENPP1 protein function with a positive predictive value of 80%. Experimental studies have shown that this missense change affects ENPP1 function (PMID: 12881724). In summary, the currently available evidence indicates that the variant is pathogenic, but additional data are needed to prove that conclusively. Therefore, this variant has been classified as Likely Pathogenic.

OMIM
Classification: Pathogenic for ARTERIAL CALCIFICATION, GENERALIZED, OF INFANCY, 1. Last evaluated: 2003-08-01. Review status: no assertion criteria provided. Collection method: literature only. Allele origin: germline. Not counted in ClinVar's aggregate classification.

Literature cited by the submitters: PubMed 12881724 (cited by Labcorp Genetics (formerly Invitae), Labcorp and OMIM); PubMed 33005041 (cited by Labcorp Genetics (formerly Invitae), Labcorp).